The following is an entry in ClinVar:

ClinVar aggregate classification (germline): Uncertain significance (1 of 4 stars; one submission).

gnomAD v4.1: 1 of 1,613,624 alleles (0.000062%); highest among the groups gnomAD compares: African/African-American, 0.0013%; no homozygotes.

Submission:

Ambry Genetics
Classification: Uncertain significance. Last evaluated: 2025-01-09. Review status: criteria provided, single submitter. Criteria: Ambry Variant Classification Scheme 2023. Collection method: clinical testing. Allele origin: germline.
Comment: The p.I532M variant (also known as c.1596T>G), located in coding exon 2 of the CDK12 gene, results from a T to G substitution at nucleotide position 1596. The isoleucine at codon 532 is replaced by methionine, an amino acid with highly similar properties. This amino acid position is conserved. In addition, this alteration is predicted to be tolerated by in silico analysis. Based on the available evidence, the clinical significance of this variant remains unclear.

NM_016507.4(CDK12):c.1596T>G (p.Ile532Met)

Gene: CDK12 (cyclin dependent kinase 12; plus strand). Cytogenetic location: 17q12.
Variant type: single nucleotide variant.
Coding change: c.1596T>G on transcript NM_016507.4 (MANE Select); coding-DNA position 1596, T replaced by G.
Protein change: p.Ile532Met; replaces isoleucine 532 with methionine.
Molecular consequence: missense variant.
Genome position (GRCh38, 1-based): chr17:39,471,428, T>G. VCF-style: chr17-39471428-T-G. GRCh37 (hg19) VCF-style: chr17-37627681-T-G.
Other names: c.1596T>G, p.Ile532Met (NM_015083.4); short protein forms I532M.
Identifiers: ClinVar variation 3830475 (VCV003830475.1).
Genomic context (GRCh38, chr17:39,471,428, plus strand): 5'-TGTTACTCCAAAGGAGACAGAAACATCAGAAAAGGAGACCCCTCCACCTCTTCCCACAAT[T>G]GCTTCTCCCCCACCCCCTCTACCAACTACTACCCCTCCACCTCAGACACCCCCTTTGCCA-3'
Protein context (NP_057591.2, residues 522-542): EKETPPPLPT[Ile532Met]ASPPPPLPTT